The following is an entry in ClinVar:

NM_006766.5(KAT6A):c.3609dup (p.Ile1204fs)

Gene: KAT6A (lysine acetyltransferase 6A; minus strand). Cytogenetic location: 8p11.21.
Variant type: Duplication.
Coding change: c.3609dup on transcript NM_006766.5 (MANE Select); coding-DNA position 3609, one base duplicated (G; older notation c.3609dupG).
Protein change: p.Ile1204fs; shifts the reading frame from isoleucine 1204.
Molecular consequence: frameshift variant.
Genome position (GRCh38, 1-based): chr8:41,934,611, C duplicated on the plus strand (G on the coding strand, the reverse complement: KAT6A is on the minus strand). VCF-style (leftmost placement, unchanged base first): chr8-41934610-T-TC. GRCh37 (hg19) VCF-style: chr8-41792128-T-TC.
Other names: short protein forms I1204fs.
Identifiers: ClinVar variation 2766132 (VCV002766132.3), dbSNP rs2486758062, ClinGen allele CA2697549857.

ClinVar aggregate classification (germline): Pathogenic (1 of 4 stars; one submission).

Submission:

Labcorp Genetics (formerly Invitae), Labcorp
Classification: Pathogenic. Last evaluated: 2023-10-05. Review status: criteria provided, single submitter. Criteria: Invitae Variant Classification Sherloc (09022015). Collection method: clinical testing. Allele origin: germline.
Comment: This sequence change creates a premature translational stop signal (p.Ile1204Aspfs*5) in the KAT6A gene. While this is not anticipated to result in nonsense mediated decay, it is expected to disrupt the last 801 amino acid(s) of the KAT6A protein. This variant is not present in population databases (gnomAD no frequency). This variant has not been reported in the literature in individuals affected with KAT6A-related conditions. This variant disrupts a region of the KAT6A protein in which other variant(s) (p.Thr1762Hisfs*11) have been determined to be pathogenic (Invitae). This suggests that this is a clinically significant region of the protein, and that variants that disrupt it are likely to be disease-causing. For these reasons, this variant has been classified as Pathogenic.